The following is an entry in ClinVar:

ClinVar aggregate classification (germline): Uncertain significance (1 of 4 stars; one submission).

gnomAD v4.1: 12 of 1,210,729 alleles (0.00099%); highest among the groups gnomAD compares: Non-Finnish European, 0.0013%; no homozygotes.

Submission:

Women's Health and Genetics/Laboratory Corporation of America, LabCorp
Classification: Uncertain significance. Last evaluated: 2026-01-13. Review status: criteria provided, single submitter. Criteria: LabCorp Variant Classification Summary - May 2015. Collection method: clinical testing. Allele origin: germline.
Comment: Variant summary: ELF4 c.1420G>C (p.Val474Leu) results in a conservative amino acid change in the encoded protein sequence. Algorithms developed to predict the effect of missense changes on protein structure and function all suggest that this variant is likely to be tolerated. The variant was absent in 182896 control chromosomes. The available data on variant occurrences in the general population are insufficient to allow any conclusion about variant significance. To our knowledge, no occurrence of c.1420G>C in individuals affected with ELF4-related conditions and no experimental evidence demonstrating its impact on protein function have been reported. No submitters have cited clinical-significance assessments for this variant to ClinVar. Based on the evidence outlined above, the variant was classified as uncertain significance.

NM_001421.4(ELF4):c.1420G>C (p.Val474Leu)

Gene: ELF4 (E74 like ETS transcription factor 4; minus strand). Cytogenetic location: Xq26.1.
Variant type: single nucleotide variant.
Coding change: c.1420G>C on transcript NM_001421.4 (MANE Select); coding-DNA position 1420, G replaced by C.
Protein change: p.Val474Leu; replaces valine 474 with leucine.
Molecular consequence: missense variant.
Genome position (GRCh38, 1-based): chrX:130,067,293, C>G on the plus strand (G>C on the coding strand, the complement: ELF4 is on the minus strand). VCF-style: chrX-130067293-C-G. GRCh37 (hg19) VCF-style: chrX-129201268-C-G.
Other names: c.1420G>C, p.Val474Leu (NM_001127197.2); short protein forms V474L.
Identifiers: ClinVar variation 3902602 (VCV003902602.3).